The following is an entry in ClinVar:

NM_001875.5(CPS1):c.3928-17T>G

Gene: CPS1 (carbamoyl-phosphate synthase 1; plus strand). Cytogenetic location: 2q34.
Variant type: single nucleotide variant.
Coding change: c.3928-17T>G on transcript NM_001875.5 (MANE Select); 17 bases into the intron before coding-DNA position 3928, T replaced by G.
Molecular consequence: intron variant.
Genome position (GRCh38, 1-based): chr2:210,663,106, T>G. VCF-style: chr2-210663106-T-G. GRCh37 (hg19) VCF-style: chr2-211527830-T-G.
Other names: c.3928-17T>G (NM_001369257.1, NM_001122633.3); c.3961-17T>G (NM_001369256.1).
Identifiers: ClinVar variation 668489 (VCV000668489.10), dbSNP rs532757361, ClinGen allele CA2087125.

ClinVar aggregate classification (germline): Benign/Likely benign. Review status: criteria provided, multiple submitters, no conflicts (2 of 4 stars). 3 submissions from 3 submitters: Benign (1); Likely benign (2). Last evaluated 2026-01-26.

Conditions:
Congenital hyperammonemia, type I. Also called: Carbamoyl phosphate synthetase 1 deficiency; Hyperammonemia due to carbamoyl phosphate synthetase 1 deficiency; CPS 1 deficiency; Carbamyl phosphate synthetase (CPS) deficiency; Carbamoyl phosphate synthetase I deficiency disease; Carbamoyl-phosphate synthase I deficiency. Identifiers: Orphanet 147, MedGen C4082171, MONDO:0009376, OMIM 237300.

Allele frequency attached by ClinVar (database versions not stated): gnomAD exomes 0.00016 and 0.00068; ExAC 0.00086; 1000 Genomes Project 0.00200; gnomAD 0.00216 and 0.00233; 1000 Genomes Project 30x 0.00250.
gnomAD v4.1: 568 of 1,582,092 alleles (0.036%); highest among the groups gnomAD compares: African/African-American, 0.68%; 3 homozygotes.

Submissions (3):

Labcorp Genetics (formerly Invitae), Labcorp
Classification: Benign for Congenital hyperammonemia, type I. Last evaluated: 2026-01-26. Review status: criteria provided, single submitter. Criteria: Invitae Variant Classification Sherloc (09022015). Collection method: clinical testing. Allele origin: germline.

Blueprint Genetics
Classification: Likely benign. Last evaluated: 2024-11-01. Review status: criteria provided, single submitter. Criteria: ACMG Guidelines, 2015. Collection method: clinical testing. Allele origin: germline.

GeneDx
Classification: Likely benign. Last evaluated: 2018-06-01. Review status: criteria provided, single submitter. Criteria: GeneDx Variant Classification (06012015). Collection method: clinical testing. Allele origin: germline. Affected: yes.
Comment: This variant is considered likely benign or benign based on one or more of the following criteria: it is a conservative change, it occurs at a poorly conserved position in the protein, it is predicted to be benign by multiple in silico algorithms, and/or has population frequency not consistent with disease.